The following is an entry in ClinVar:

NM_005732.4(RAD50):c.1631A>G (p.Asp544Gly)

Gene: RAD50 (RAD50 double strand break repair protein; plus strand). Cytogenetic location: 5q31.1.
Variant type: single nucleotide variant.
Coding change: c.1631A>G on transcript NM_005732.4 (MANE Select); coding-DNA position 1631, A replaced by G.
Protein change: p.Asp544Gly; replaces aspartic acid 544 with glycine.
Molecular consequence: missense variant.
Genome position (GRCh38, 1-based): chr5:132,591,402, A>G. VCF-style: chr5-132591402-A-G. GRCh37 (hg19) VCF-style: chr5-131927094-A-G.
Other names: short protein forms D544G.
Identifiers: ClinVar variation 567871 (VCV000567871.15), dbSNP rs754840961, ClinGen allele CA3405209.
Genomic context (GRCh38, chr5:132,591,402, plus strand): 5'-AGATGGAGCAGTTAAACCATCATACAACAACACGTACCCAAATGGAGATGCTGACCAAAG[A>G]CAAAGTATGATTTTTCTTTTTGTTCTAATTATACTGTCTGGTACTTAAAATAGCCTACCT-3'
Protein context (NP_005723.2, residues 534-554): TRTQMEMLTK[Asp544Gly]KADKDEQIRK

ClinVar aggregate classification (germline): Uncertain significance. Review status: criteria provided, multiple submitters, no conflicts (2 of 4 stars). 3 submissions from 3 submitters: Uncertain significance (3). Last evaluated 2025-08-01.

Conditions:
Hereditary cancer-predisposing syndrome. Also called: Neoplastic Syndromes, Hereditary; Tumor predisposition; Hereditary neoplastic syndrome; Hereditary Cancer Syndrome. Identifiers: Orphanet 140162, MedGen C0027672, MeSH D009386, MONDO:0015356.

Allele frequency attached by ClinVar (database versions not stated): gnomAD exomes below 0.00001; ExAC 0.00001.
gnomAD v4.1: 4 of 1,612,900 alleles (0.00025%); highest among the groups gnomAD compares: Non-Finnish European, 0.00034%; no homozygotes.

Submissions (3):

Quest Diagnostics Nichols Institute San Juan Capistrano
Classification: Uncertain significance. Last evaluated: 2025-08-01. Review status: criteria provided, single submitter. Criteria: Quest Diagnostics criteria. Collection method: clinical testing. Allele origin: unknown.
Comment: The RAD50 c.1631A>G (p.Asp544Gly) variant has not been reported in individuals with RAD50-related conditions in the published literature. The frequency of this variant in the general population (Genome Aggregation Database) is uninformative in the assessment of its pathogenicity. Analysis of this variant using bioinformatics tools for the prediction of the effect of amino acid changes on protein structure and function yielded predictions that this variant is benign. Based on the available information, we are unable to determine the clinical significance of this variant.

Ambry Genetics
Classification: Uncertain significance for Hereditary cancer-predisposing syndrome. Last evaluated: 2025-07-25. Review status: criteria provided, single submitter. Criteria: Ambry Variant Classification Scheme 2023. Collection method: clinical testing. Allele origin: germline.
Comment: The p.D544G variant (also known as c.1631A>G), located in coding exon 10 of the RAD50 gene, results from an A to G substitution at nucleotide position 1631. The aspartic acid at codon 544 is replaced by glycine, an amino acid with similar properties. This amino acid position is conserved. In addition, the in silico prediction for this alteration is inconclusive. Since supporting evidence is limited at this time, the clinical significance of this alteration remains unclear.

Labcorp Genetics (formerly Invitae), Labcorp
Classification: Uncertain significance for Hereditary cancer-predisposing syndrome. Last evaluated: 2024-07-29. Review status: criteria provided, single submitter. Criteria: Invitae Variant Classification Sherloc (09022015). Collection method: clinical testing. Allele origin: germline.
Comment: This sequence change replaces aspartic acid, which is acidic and polar, with glycine, which is neutral and non-polar, at codon 544 of the RAD50 protein (p.Asp544Gly). This variant is present in population databases (rs754840961, gnomAD 0.0009%). This variant has not been reported in the literature in individuals affected with RAD50-related conditions. ClinVar contains an entry for this variant (Variation ID: 567871). Advanced modeling of protein sequence and biophysical properties (such as structural, functional, and spatial information, amino acid conservation, physicochemical variation, residue mobility, and thermodynamic stability) performed at Invitae indicates that this missense variant is not expected to disrupt RAD50 protein function with a negative predictive value of 80%. Algorithms developed to predict the effect of sequence changes on RNA splicing suggest that this variant may create or strengthen a splice site. In summary, the available evidence is currently insufficient to determine the role of this variant in disease. Therefore, it has been classified as a Variant of Uncertain Significance.